The following is an entry in ClinVar:

ClinVar aggregate classification (germline): Uncertain significance. Review status: criteria provided, multiple submitters, no conflicts (2 of 4 stars). 2 submissions from 2 submitters: Uncertain significance (2). Last evaluated 2023-12-27.

Conditions:
Inborn genetic diseases. Identifiers: MedGen C0950123, MeSH D030342.

Allele frequency attached by ClinVar (database versions not stated): ExAC 0.00001; gnomAD exomes 0.00001; TOPMed 0.00002; gnomAD 0.00003.
gnomAD v4.1: 17 of 1,614,038 alleles (0.0011%); highest among the groups gnomAD compares: Non-Finnish European, 0.0014%; no homozygotes.

Submissions (2):

Ambry Genetics
Classification: Uncertain significance for Inborn genetic diseases. Last evaluated: 2023-12-27. Review status: criteria provided, single submitter. Criteria: Ambry Variant Classification Scheme 2023. Collection method: clinical testing. Allele origin: germline.

Labcorp Genetics (formerly Invitae), Labcorp
Classification: Uncertain significance. Last evaluated: 2022-06-23. Review status: criteria provided, single submitter. Criteria: Invitae Variant Classification Sherloc (09022015). Collection method: clinical testing. Allele origin: germline.
Comment: This sequence change replaces tyrosine, which is neutral and polar, with histidine, which is basic and polar, at codon 1137 of the FAT4 protein (p.Tyr1137His). This variant is present in population databases (rs755558808, gnomAD 0.0009%). This variant has not been reported in the literature in individuals affected with FAT4-related conditions. Advanced modeling of protein sequence and biophysical properties (such as structural, functional, and spatial information, amino acid conservation, physicochemical variation, residue mobility, and thermodynamic stability) performed at Invitae indicates that this missense variant is expected to disrupt FAT4 protein function. In summary, the available evidence is currently insufficient to determine the role of this variant in disease. Therefore, it has been classified as a Variant of Uncertain Significance.

NM_001291303.3(FAT4):c.3409T>C (p.Tyr1137His)

Gene: FAT4 (FAT atypical cadherin 4; plus strand). Cytogenetic location: 4q28.1.
Variant type: single nucleotide variant.
Coding change: c.3409T>C on transcript NM_001291303.3 (MANE Select); coding-DNA position 3409, T replaced by C.
Protein change: p.Tyr1137His; replaces tyrosine 1137 with histidine.
Molecular consequence: missense variant.
Genome position (GRCh38, 1-based): chr4:125,319,820, T>C. VCF-style: chr4-125319820-T-C. GRCh37 (hg19) VCF-style: chr4-126240975-T-C.
Other names: c.3409T>C, p.Tyr1137His (NM_001291285.3, NM_024582.6); c.3409T>C (NM_024582.4); short protein forms Y1137H.
Identifiers: ClinVar variation 1954596 (VCV001954596.3), dbSNP rs755558808, ClinGen allele CA3072305.